The following is an entry in ClinVar:

Single allele

Gene: PCDH15 (protocadherin related 15; minus strand). Cytogenetic location: 10q21.1.
Variant type: Deletion.
Identifiers: ClinVar variation 157167 (VCV000157167.2).

ClinVar aggregate classification (germline): not provided (0 of 4 stars; one submission).

Conditions:
Small for gestational age. Also called: Low birth weight. Identifiers: MedGen C0235991, HP:0001518.

Submission:

Institute of Molecular and Cell Biology, University of Tartu
No classification provided. Condition: Small for gestational age. Review status: no classification provided. Collection method: case-control. Allele origin: unknown. Affected: yes. Study: Kasak2014.
Comment: The study aimed to determine the contribution of copy number variants in the genetic etiology of normal and complicated pregnancies. The samples represented (i) maternal blood DNA drawn from healthy pregnant women during 1st or 2nd trimester and (ii) maternal and paternal blood DNA drawn at term pregnancy cases representing normal and complicated gestations (severe preeclampsia, PE; gestational diabetes, GD; small-for-gestational age newborn, SGA; large-for-gestational age newborn, LGA). We performed CNV calling based on genome-wide genotyping dataset (Illumina HumanOmniExpress-24-v1 BeadChip) by applying three algorithms, QuantiSNP, GADA (Genome Alteration Detection Algorithm) and CNstream in parallel. The acquired CNV calls were merged with HD-CNV (Hotspot Detector for Copy Number Variants) program and only the CNVs predicted by at least two programs, were considered in subsequent analysis.

Literature cited by the submitters: PubMed 25666259.